The following is an entry in ClinVar:

NM_000091.5(COL4A3):c.4347_4353del (p.Arg1450fs)

Genes: MFF-DT (MFF divergent transcript; minus strand), COL4A3 (collagen type IV alpha 3 chain; plus strand). Cytogenetic location: 2q36.3.
Variant type: Deletion.
Coding change: c.4347_4353del on transcript NM_000091.5 (MANE Select); coding-DNA positions 4347 to 4353, 7 bases deleted (CCGACAC; older notation c.4347_4353delCCGACAC).
Protein change: p.Arg1450fs; shifts the reading frame from arginine 1450.
Molecular consequence: frameshift variant.
Genome position (GRCh38, 1-based): chr2:227,307,804-227,307,810, CCGACAC deleted; deleting any 7 consecutive bases within chr2:227,307,801-227,307,810 gives the same sequence; the c. name uses the placement nearest the transcript's 3' end. VCF-style (leftmost placement, unchanged base first): chr2-227307800-TCACCCGA-T. GRCh37 (hg19) VCF-style: chr2-228172516-TCACCCGA-T.
Other names: c.4347_4353del7 (NM_000091.4); c.4347_4353delCCGACAC (NM_000091.4, NM_000091.5); c.4344_4350del (NM_000091.5); short protein forms R1450fs.
Identifiers: ClinVar variation 550302 (VCV000550302.23), dbSNP rs748026887, ClinGen allele CA2147514.
Genomic context (GRCh38, chr2:227,307,800, plus strand): 5'-TGAAAGGAAAACGTGGAGACAGTGGATCACCTGCAACCTGGACAACGAGAGGCTTTGTCT[TCACCCGA>T]CACAGTCAAACCACAGCAATTCCTTCATGTCCAGAGGGGACAGTGCCACTCTACAGTGGG-3'

ClinVar aggregate classification (germline): Pathogenic. Review status: criteria provided, multiple submitters, no conflicts (2 of 4 stars). 12 submissions from 11 submitters: Pathogenic (11). 1 of the submissions does not count toward it. Last evaluated 2026-07-23.

Conditions:
COL4A3-related disorder. Also called: COL4A3-Related Disorders; COL4A3-related condition.
Hematuria. Identifiers: MedGen C0018965, HP:0000790.
Autosomal recessive Alport syndrome (ATS2). Also called: COL4A3-Related Nephropathy; Alport syndrome type 2; ALPORT SYNDROME 2, AUTOSOMAL RECESSIVE; COL4A4 Alport Syndrome and Thin Basement Membrane Nephropathy. Identifiers: Orphanet 63, Orphanet 88919, MedGen C4746745, MONDO:0008762, OMIM 203780.
Alport syndrome 3b, autosomal recessive. Identifiers: MedGen C5882699, MONDO:0957811, OMIM 620536.
Autosomal dominant Alport syndrome (ATS3A). Also called: ALPORT SYNDROME 3A, AUTOSOMAL DOMINANT; Alport syndrome dominant type; Renal failure and sensorineural hearing loss. Identifiers: Orphanet 63, Orphanet 88918, MedGen C5882663, MONDO:0007086, OMIM 104200.
Benign familial hematuria. Also called: thin basement membrane disease. Identifiers: MedGen C0241908, MONDO:0957317.
Alport syndrome. Also called: Hemorrhagic familial nephritis; Hemorrhagic hereditary nephritis; Congenital hereditary hematuria. Identifiers: Orphanet 63, MedGen C1567741, MONDO:0018965.

Submissions (12):

Genetics Laboratory, Great Ormond Street Hospital NHS Foundation Trust, North Thames Genomic Laboratory Hub
Classification: Pathogenic for Haematuria. Last evaluated: 2026-07-23. Review status: criteria provided, single submitter. Criteria: ACGS Best Practice Guidelines for Variant Classification in Rare Disease 2024 v1.2. Collection method: clinical testing. Allele origin: germline. Affected: yes.
Comment: PM2_moderate, PVS1_very-strong, PM3_moderate

Genetics laboratory, Institute of Kidney Diseases & Research Centre Dr. H.L. Trivedi Institute Of Transplantation Sciences
Classification: Pathogenic for Alport syndrome 3b, autosomal recessive. Last evaluated: 2026-02-03. Review status: criteria provided, single submitter. Criteria: ACMG Guidelines, 2015. Collection method: clinical testing. Allele origin: germline. Inheritance: Autosomal recessive inheritance. Affected: yes.
Comment: The COL4A3:c.4347_4353del (p.Arg1450Valfs*77) variant is classified as Pathogenic according to American College of Medical Genetics and Genomics 2015 guidelines. This frameshift deletion introduces a premature stop codon, leading to a truncated protein or nonsense-mediated mRNA decay, a well-established disease mechanism for COL4A3. The variant is absent/rare in population databases and is consistent with the molecular basis of Alport syndrome.

Labcorp Genetics (formerly Invitae), Labcorp
Classification: Pathogenic. Last evaluated: 2026-01-17. Review status: criteria provided, single submitter. Criteria: Invitae Variant Classification Sherloc (09022015). Collection method: clinical testing. Allele origin: germline.
Comment: This sequence change creates a premature translational stop signal (p.Arg1450Valfs*77) in the COL4A3 gene. It is expected to result in an absent or disrupted protein product. Loss-of-function variants in COL4A3 are known to be pathogenic (PMID: 8956999, 24854265, 26809805, 27281700). This variant is present in population databases (rs748026887, gnomAD 0.02%). This premature translational stop signal has been observed in individuals with Alport syndrome (PMID: 7780062, 24052634). ClinVar contains an entry for this variant (Variation ID: 550302). For these reasons, this variant has been classified as Pathogenic.

Natera, Inc.
Classification: Pathogenic for Alport syndrome. Last evaluated: 2025-10-13. Review status: criteria provided, single submitter. Criteria: Natera Variant Classification Schema (03/2026). Collection method: clinical testing. Allele origin: germline.
Comment: The c.4347_4353delCCGACAC variant in COL4A3 is a frameshift variant predicted to shift the reading frame beginning at codon 1450 and leads to a stop codon 77 codons downstream. This variant is expected to result in nonsense mediated decay, truncation, or a dysfunctional protein product. This variant is rare in the general population with a frequency below the threshold expected for the associated phenotype(s). This variant has been observed in one or more individuals affected with the associated recessive disease, as either homozygous or compound heterozygous with a second variant (PMID: 24052634). Given the available evidence, this variant is classified as Pathogenic.

PreventionGenetics, part of Exact Sciences
Classification: Pathogenic for COL4A3-related condition. Last evaluated: 2025-08-01. Review status: criteria provided, single submitter. Criteria: ACMG Guidelines, 2015. Collection method: clinical testing. Allele origin: germline.
Comment: The COL4A3 c.4347_4353del7 variant is predicted to result in a frameshift and premature protein termination (p.Arg1450Valfs*77). This variant has been reported in the homozygous state in two unrelated individuals with autosomal recessive Alport syndrome (Ding et al. 1995. PubMed ID: 7780062; Storey et al. 2013. PubMed ID: 24052634). This variant is reported in 0.016% of alleles in individuals of South Asian descent in gnomAD. Frameshift variants in COL4A3 are expected to be pathogenic. This variant is interpreted as pathogenic for autosomal recessive Alport syndrome.

Neuberg Centre For Genomic Medicine, NCGM
Classification: Pathogenic for Autosomal dominant Alport syndrome. Last evaluated: 2023-07-22. Review status: criteria provided, single submitter. Criteria: ACMG Guidelines, 2015. Collection method: clinical testing. Allele origin: germline. Inheritance: Autosomal dominant inheritance. Affected: yes.
Comment: The frameshift c.4347_4353del p.Arg1450ValfsTer77 variant in the COL4A3 gene has been previously reported in individuals affected with Alport syndrome Ding et al., 1995; Stoey et al., 2013. The p.Arg1450ValfsTer77 variant is present with 0.002% in gnomAD Exomes. This variant has been submitted to the ClinVar database as Pathogenic multiple submissions. This variant causes a frameshift starting with codon Arginine 1450, changes this amino acid to Valine residue, and creates a premature Stop codon at position 77 of the new reading frame, denoted p.Arg1450ValfsTer77. This variant is predicted to cause a loss of normal protein function through protein truncation. Loss of function variants in the COL4A3 gene has been previously reported to be disease causing Weber et al., 2016. For these reasons, this variant has been classified as Pathogenic.

Victorian Clinical Genetics Services, Murdoch Childrens Research Institute
Classification: Pathogenic for Autosomal recessive Alport syndrome. Last evaluated: 2023-07-17. Review status: criteria provided, single submitter. Criteria: ACMG Guidelines, 2015. Collection method: clinical testing. Allele origin: germline. Inheritance: Autosomal recessive inheritance. Affected: yes.
Comment: Based on the classification scheme VCGS_Germline_v1.3.4, this variant is classified as Pathogenic. Following criteria are met: 0103 - Dominant negative and loss of function are known mechanisms of disease in this gene and are associated with Alport syndrome, MONDO:0018965, COL4A3-related. Glycine changes that are part of a G-X-Y repeat in the triple helix of a collagen domain are known to have a dominant negative effect (PMID: 12028435). (I) 0108 - This gene is associated with both recessive (Alport syndrome 2 MIM#203780) and dominant disease (Alport syndrome 3 MIM#104200 and benign familial haematuria MIM#141200) (OMIM). (I) 0201 - Variant is predicted to cause nonsense-mediated decay (NMD) and loss of protein (premature termination codon is located at least 54 nucleotides upstream of the final exon-exon junction). (SP) 0252 - This variant is homozygous. (I) 0304 - Variant is present in gnomAD (v2) <0.01 (5 heterozygotes, 0 homozygotes). (SP) 0701 - Other NMD predicted variants comparable to the one identified in this case have very strong previous evidence for pathogenicity (DECIPHER). (SP) 0801 - This variant has strong previous evidence of pathogenicity in unrelated individuals. This variant has been reported in individuals with autosomal recessive Alport syndrome (ClinVar, PMID: 7780062). (SP) 1208 - Inheritance information for this variant is not currently available in this individual. (I) Legend: (SP) - Supporting pathogenic, (I) - Information, (SB) - Supporting benign

Fulgent Genetics
Classification: Pathogenic for Autosomal dominant Alport syndrome; Hematuria, benign familial, 1; Autosomal recessive Alport syndrome. Last evaluated: 2022-03-29. Review status: criteria provided, single submitter. Criteria: ACMG Guidelines, 2015. Collection method: clinical testing. Allele origin: unknown.

Genetics and Genomic Medicine Centre, NeuroGen Healthcare, NeuroGen Healthcare
Classification: Pathogenic for Autosomal dominant Alport syndrome. Last evaluated: 2021-12-04. Review status: criteria provided, single submitter. Criteria: Submitter's publication. Collection method: clinical testing. Allele origin: unknown. Affected: no.

Women's Health and Genetics/Laboratory Corporation of America, LabCorp
Classification: Pathogenic for Alport syndrome autosomal recessive. Last evaluated: 2019-11-05. Review status: criteria provided, single submitter. Criteria: LabCorp Variant Classification Summary - May 2015. Collection method: clinical testing. Allele origin: germline.
Comment: Variant summary: COL4A3 c.4347_4353delCCGACAC (p.Arg1450ValfsX77) results in a premature termination codon, predicted to cause a truncation of the encoded protein or absence of the protein due to nonsense mediated decay, which are commonly known mechanisms for disease. The variant allele was found at a frequency of 2e-05 in 249534 control chromosomes. c.4347_4353delCCGACAC has been reported in the literature in individuals affected with autosomal recessive Alport Syndrome (Ding_1995, Storey_2013). These data indicate that the variant is likely to be associated with disease. To our knowledge, no experimental evidence demonstrating an impact on protein function has been reported. One clinical diagnostic laboratory has submitted clinical-significance assessments for this variant to ClinVar after 2014 without evidence for independent evaluation and classified the variant as pathogenic. Based on the evidence outlined above, the variant was classified as pathogenic.

Neuberg Centre For Genomic Medicine, NCGM
Classification: Pathogenic for Autosomal recessive Alport syndrome. Review status: criteria provided, single submitter. Criteria: ACMG Guidelines, 2015. Collection method: clinical testing. Allele origin: germline. Inheritance: Autosomal recessive inheritance. Affected: yes.
Comment: The frameshift variant c.4347_4353del (p.Arg1450ValfsTer77) in COL4A3 gene has been observed in individuals affected with Alport syndrome (Storey H et.al.,2013). This variant has been reported to the ClinVar database as Pathogenic .The p.Arg1450ValfsTer77 variant is novel (not in any individuals) in 1000 Genomes and allele frequency of 0.002004% is reported in gnomAD. This variant causes a frameshift starting with codon Arginine 1450, changes this amino acid to Valine residue, and creates a premature Stop codon at position 77 of the new reading frame, denoted p.Arg1450ValfsTer77. For these reasons, this variant has been classified as Pathogenic .

Counsyl
Classification: Pathogenic for Autosomal recessive Alport syndrome. Last evaluated: 2016-12-28. Review status: no assertion criteria provided. Collection method: clinical testing. Allele origin: unknown. Not counted in ClinVar's aggregate classification.

Literature cited by the submitters: PubMed 8956999 (cited by Labcorp Genetics (formerly Invitae), Labcorp); PubMed 24854265 (cited by Labcorp Genetics (formerly Invitae), Labcorp); PubMed 26809805 (cited by Labcorp Genetics (formerly Invitae), Labcorp); PubMed 27281700 (cited by Labcorp Genetics (formerly Invitae), Labcorp); PubMed 7780062 (cited by 4 submitters); PubMed 24052634 (cited by 4 submitters); PubMed 12028435 (cited by Victorian Clinical Genetics Services, Murdoch Childrens Research Institute).